The following is an entry in ClinVar:

ClinVar aggregate classification (germline): Benign/Likely benign. Review status: criteria provided, multiple submitters, no conflicts (2 of 4 stars). 7 submissions from 7 submitters: Benign (3); Likely benign (1). 3 of the submissions do not count toward it. Last evaluated 2024-07-15.

Conditions:
Schinzel-Giedion syndrome (SGS). Identifiers: Orphanet 798, MedGen C0265227, MONDO:0010010, OMIM 269150.

Allele frequency attached by ClinVar (database versions not stated): 1000 Genomes Project 0.49301; 1000 Genomes Project 30x 0.49407; ExAC 0.50727; TOPMed 0.53475; gnomAD 0.54347.
gnomAD v4.1: 845,767 of 1,548,362 alleles (55%); highest among the groups gnomAD compares: Non-Finnish European, 56%; 232,749 homozygotes.

Submissions (7):

Unidad de Genómica Garrahan, Hospital de Pediatría Garrahan
Classification: Benign. Last evaluated: 2024-07-15. Review status: criteria provided, single submitter. Criteria: ACMG Guidelines, 2015. Collection method: clinical testing. Allele origin: germline. Affected: no. Observed: 65 variant alleles.
Comment: This variant is classified as Benign based on local population frequency. This variant was detected in 70% of patients studied in a panel designed for Epileptic and Developmental Encephalopathy and Progressive Myoclonus Epilepsy. Number of patients: 65. Only high quality variants are reported.

KCCC/NGS Laboratory, Kuwait Cancer Control Center
Classification: Likely benign for Schinzel-Giedion syndrome. Last evaluated: 2023-07-07. Review status: criteria provided, single submitter. Criteria: ACMG Guidelines, 2015. Collection method: clinical testing. Allele origin: germline. Affected: yes.

GeneDx
Classification: Benign. Last evaluated: 2018-07-27. Review status: criteria provided, single submitter. Criteria: GeneDx Variant Classification Process June 2021. Collection method: clinical testing. Allele origin: germline. Affected: yes.

Breakthrough Genomics
Classification: Benign. Review status: criteria provided, single submitter. Criteria: ACMG Guidelines, 2015. Collection method: not provided. Allele origin: germline. Inheritance: Autosomal dominant inheritance. Affected: yes.

Diagnostic Laboratory, Department of Genetics, University Medical Center Groningen
Classification: Benign. Review status: no assertion criteria provided. Collection method: clinical testing. Allele origin: germline. Affected: yes. Study: VKGL Data-share Consensus. Not counted in ClinVar's aggregate classification.

Genetic Services Laboratory, University of Chicago
Classification: Likely benign. Review status: no assertion criteria provided. Collection method: clinical testing. Allele origin: germline. Inheritance: Autosomal dominant inheritance. Not counted in ClinVar's aggregate classification.
Comment: Likely benign based on allele frequency in 1000 Genomes Project or ESP global frequency and its presence in a patient with a rare or unrelated disease phenotype. NOT Sanger confirmed

Joint Genome Diagnostic Labs from Nijmegen and Maastricht, Radboudumc and MUMC+
Classification: Benign. Review status: no assertion criteria provided. Collection method: clinical testing. Allele origin: germline. Affected: yes. Study: VKGL Data-share Consensus. Not counted in ClinVar's aggregate classification.

NM_015559.3(SETBP1):c.540+7405G>A

Gene: SETBP1 (SET binding protein 1; plus strand). Cytogenetic location: 18q12.3.
Variant type: single nucleotide variant.
Coding change: c.540+7405G>A on transcript NM_015559.3 (MANE Select); 7405 bases into the intron after coding-DNA position 540, G replaced by A.
Molecular consequence: intron variant. On other transcripts: missense variant (1).
Genome position (GRCh38, 1-based): chr18:44,876,688, G>A. VCF-style: chr18-44876688-G-A. GRCh37 (hg19) VCF-style: chr18-42456653-G-A.
Other names: c.540+7405G>A (LRG_1150t1); c.664G>A, p.Ala222Thr (NM_001130110.2); short protein forms A222T.
Identifiers: ClinVar variation 159884 (VCV000159884.18), dbSNP rs663651, ClinGen allele CA173413.